The following is an entry in ClinVar:

ClinVar aggregate classification (germline): Uncertain significance (1 of 4 stars; one submission).

Allele frequency attached by ClinVar (database versions not stated): gnomAD exomes below 0.00001; gnomAD 0.00002; TOPMed 0.00002.
gnomAD v4.1: 9 of 1,611,220 alleles (0.00056%); highest among the groups gnomAD compares: African/African-American, 0.0067%; no homozygotes.

Submission:

Labcorp Genetics (formerly Invitae), Labcorp
Classification: Uncertain significance. Last evaluated: 2023-01-20. Review status: criteria provided, single submitter. Criteria: Invitae Variant Classification Sherloc (09022015). Collection method: clinical testing. Allele origin: germline.
Comment: This variant is present in population databases (no rsID available, gnomAD 0.007%). In summary, the available evidence is currently insufficient to determine the role of this variant in disease. Therefore, it has been classified as a Variant of Uncertain Significance. Algorithms developed to predict the effect of missense changes on protein structure and function (SIFT, PolyPhen-2, Align-GVGD) all suggest that this variant is likely to be disruptive. This variant has not been reported in the literature in individuals affected with ISCU-related conditions. This sequence change replaces valine, which is neutral and non-polar, with isoleucine, which is neutral and non-polar, at codon 72 of the ISCU protein (p.Val72Ile).

NM_213595.4(ISCU):c.214G>A (p.Val72Ile)

Gene: ISCU (iron-sulfur cluster assembly enzyme; plus strand). Cytogenetic location: 12q23.3.
Variant type: single nucleotide variant.
Coding change: c.214G>A on transcript NM_213595.4 (MANE Select); coding-DNA position 214, G replaced by A.
Protein change: p.Val72Ile; replaces valine 72 with isoleucine.
Molecular consequence: missense variant. On other transcripts: non-coding transcript variant (1).
Genome position (GRCh38, 1-based): chr12:108,564,378, G>A. VCF-style: chr12-108564378-G-A. GRCh37 (hg19) VCF-style: chr12-108958154-G-A.
Other names: c.214G>A, p.Val72Ile (NM_001301140.1, NM_001301141.1, NM_001320042.1); c.139G>A, p.Val47Ile (NM_014301.4); short protein forms V72I, V47I.
Identifiers: ClinVar variation 3020511 (VCV003020511.3), dbSNP rs914914914, ClinGen allele CA243321569.